The following is an entry in ClinVar:

ClinVar aggregate classification (germline): Uncertain significance (1 of 4 stars; one submission).

Submission:

GeneDx
Classification: Uncertain significance. Last evaluated: 2014-07-30. Review status: criteria provided, single submitter. Criteria: GeneDx Variant Classification (06012015). Collection method: clinical testing. Allele origin: germline. Affected: yes.
Comment: Missense variants in the TTN gene are considered 'unclassified' if they are not previously reported in the literature and do not have >1% frequency in the population to be considered a polymorphism. Research indicates that truncating mutations in the TTN gene are expected to account for approximately 25% of familial and 18% of sporadic idiopathic DCM; however, truncating variants in the TTN gene have been reported in approximately 3% of reported control alleles. There has been little investigation into non-truncating variants. (Herman D et al. Truncations of titin causing dilated cardiomyopathy. N Eng J Med 366:619-628, 2012) The variant is found in DCM-CRDM panel(s).

NM_001267550.2(TTN):c.64327G>A (p.Ala21443Thr)

Genes: TTN (titin; minus strand), TTN-AS1 (TTN antisense RNA 1; plus strand). Cytogenetic location: 2q31.2.
Variant type: single nucleotide variant.
Coding change: c.64327G>A on transcript NM_001267550.2 (MANE Select); coding-DNA position 64327, G replaced by A.
Protein change: p.Ala21443Thr; replaces alanine 21443 with threonine.
Molecular consequence: missense variant.
Genome position (GRCh38, 1-based): chr2:178,586,574, C>T on the plus strand (G>A on the coding strand, the complement: TTN is on the minus strand). VCF-style: chr2-178586574-C-T. GRCh37 (hg19) VCF-style: chr2-179451301-C-T.
Other names: p.A19802T:GCC>ACC; c.59404G>A, p.Ala19802Thr (NM_001256850.1); c.37132G>A, p.Ala12378Thr (NM_003319.4); c.56623G>A, p.Ala18875Thr (NM_133378.4); c.37507G>A, p.Ala12503Thr (NM_133432.3); c.37708G>A, p.Ala12570Thr (NM_133437.4); short protein forms A19802T, A21443T, A12503T, A12570T, A18875T, A12378T.
Identifiers: ClinVar variation 202781 (VCV000202781.2), dbSNP rs794729475, ClinGen allele CA310267.